The following is an entry in ClinVar:

NM_001267550.2(TTN):c.106286C>A (p.Thr35429Lys)

Genes: TTN (titin; minus strand), TTN-AS1 (TTN antisense RNA 1; plus strand). Cytogenetic location: 2q31.2.
Variant type: single nucleotide variant.
Coding change: c.106286C>A on transcript NM_001267550.2 (MANE Select); coding-DNA position 106286, C replaced by A.
Protein change: p.Thr35429Lys; replaces threonine 35429 with lysine.
Molecular consequence: missense variant.
Genome position (GRCh38, 1-based): chr2:178,530,329, G>T on the plus strand (C>A on the coding strand, the complement: TTN is on the minus strand). VCF-style: chr2-178530329-G-T. GRCh37 (hg19) VCF-style: chr2-179395056-G-T.
Other names: c.101363C>A, p.Thr33788Lys (NM_001256850.1); c.79091C>A, p.Thr26364Lys (NM_003319.4); c.98582C>A, p.Thr32861Lys (NM_133378.4); c.79466C>A, p.Thr26489Lys (NM_133432.3); c.79667C>A, p.Thr26556Lys (NM_133437.4); short protein forms T35429K, T32861K, T26364K, T26489K, T26556K, T33788K.
Identifiers: ClinVar variation 466752 (VCV000466752.8), dbSNP rs1241466221, ClinGen allele CA349406313.

ClinVar aggregate classification (germline): Uncertain significance. Review status: criteria provided, multiple submitters, no conflicts (2 of 4 stars). 2 submissions from 2 submitters: Uncertain significance (2). Last evaluated 2026-01-02.

Conditions:
Autosomal recessive limb-girdle muscular dystrophy type 2J (LGMDR10). Also called: MUSCULAR DYSTROPHY, LIMB-GIRDLE, AUTOSOMAL RECESSIVE 10; Limb-girdle muscular dystrophy, type 2J. Identifiers: Orphanet 140922, MedGen C1837342, MONDO:0012127, OMIM 608807.
Dilated cardiomyopathy 1G (CMD1G). Identifiers: Orphanet 154, MedGen C1858763, MONDO:0011400, OMIM 604145.

Allele frequency attached by ClinVar (database versions not stated): gnomAD exomes 0.00001 and 0.00002.
gnomAD v4.1: 5 of 1,613,990 alleles (0.00031%); highest among the groups gnomAD compares: Admixed American, 0.0083%; no homozygotes.

Submissions (2):

Labcorp Genetics (formerly Invitae), Labcorp
Classification: Uncertain significance for Dilated cardiomyopathy 1G; Autosomal recessive limb-girdle muscular dystrophy type 2J. Last evaluated: 2026-01-02. Review status: criteria provided, single submitter. Criteria: Invitae Variant Classification Sherloc (09022015). Collection method: clinical testing. Allele origin: germline.
Comment: This sequence change replaces threonine, which is neutral and polar, with lysine, which is basic and polar, at codon 35429 of the TTN protein (p.Thr35429Lys). This variant is present in population databases (no rsID available, gnomAD 0.01%). This missense change has been observed in individual(s) with clinical features of autosomal recessive TTN-related conditions (internal data). ClinVar contains an entry for this variant (Variation ID: 466752). Experimental studies and prediction algorithms are not available or were not evaluated, and the functional significance of this variant is currently unknown. This variant is located in the M band of TTN (PMID: 25589632). Non-truncating variants in this region may be relevant for neuromuscular disorders, but have not been definitively shown to cause cardiomyopathy (PMID: 23975875). In summary, the available evidence is currently insufficient to determine the role of this variant in disease. Therefore, it has been classified as a Variant of Uncertain Significance.

Blueprint Genetics
Classification: Uncertain significance. Last evaluated: 2021-06-29. Review status: criteria provided, single submitter. Criteria: ACMG Guidelines, 2015. Collection method: clinical testing. Allele origin: germline.

Literature cited by the submitters: PubMed 25589632 (cited by Labcorp Genetics (formerly Invitae), Labcorp); PubMed 23975875 (cited by Labcorp Genetics (formerly Invitae), Labcorp).